The following is an entry in ClinVar:

ClinVar aggregate classification (germline): Uncertain significance. Review status: criteria provided, multiple submitters, no conflicts (2 of 4 stars). 2 submissions from 2 submitters: Uncertain significance (2). Last evaluated 2025-03-10.

Conditions:
TH-deficient dopa-responsive dystonia. Also called: Tyrosine Hydroxylase-Deficient Dopa-Responsive Dystonia; Segawa syndrome, autosomal recessive; DYT-TH. Identifiers: Orphanet 101150, MedGen C2673535, MONDO:0011551, OMIM 605407.

Allele frequency attached by ClinVar (database versions not stated): gnomAD exomes 0.00003; ExAC 0.00006.
gnomAD v4.1: 38 of 1,612,850 alleles (0.0024%); highest among the groups gnomAD compares: South Asian, 0.042%; 1 homozygote.

Submissions (2):

Labcorp Genetics (formerly Invitae), Labcorp
Classification: Uncertain significance for TH-deficient dopa-responsive dystonia. Last evaluated: 2025-03-10. Review status: criteria provided, single submitter. Criteria: Invitae Variant Classification Sherloc (09022015). Collection method: clinical testing. Allele origin: germline.
Comment: This sequence change replaces serine, which is neutral and polar, with proline, which is neutral and non-polar, at codon 460 of the TH protein (p.Ser460Pro). This variant is present in population databases (rs753181549, gnomAD 0.04%). This variant has not been reported in the literature in individuals affected with TH-related conditions. ClinVar contains an entry for this variant (Variation ID: 2050171). Invitae Evidence Modeling of protein sequence and biophysical properties (such as structural, functional, and spatial information, amino acid conservation, physicochemical variation, residue mobility, and thermodynamic stability) indicates that this missense variant is not expected to disrupt TH protein function with a negative predictive value of 95%. In summary, the available evidence is currently insufficient to determine the role of this variant in disease. Therefore, it has been classified as a Variant of Uncertain Significance.

Revvity Omics, Revvity
Classification: Uncertain significance for TH-deficient dopa-responsive dystonia. Last evaluated: 2020-03-09. Review status: criteria provided, single submitter. Criteria: ACMG Guidelines, 2015. Collection method: clinical testing. Allele origin: germline.

NM_000360.4(TH):c.1285T>C (p.Ser429Pro)

Gene: TH (tyrosine hydroxylase; minus strand). Cytogenetic location: 11p15.5.
Variant type: single nucleotide variant.
Coding change: c.1285T>C on transcript NM_000360.4 (MANE Select); coding-DNA position 1285, T replaced by C.
Protein change: p.Ser429Pro; replaces serine 429 with proline.
Molecular consequence: missense variant.
Genome position (GRCh38, 1-based): chr11:2,165,281, A>G on the plus strand (T>C on the coding strand, the complement: TH is on the minus strand). VCF-style: chr11-2165281-A-G. GRCh37 (hg19) VCF-style: chr11-2186511-A-G.
Other names: c.1378T>C, p.Ser460Pro (NM_199292.3); c.1366T>C, p.Ser456Pro (NM_199293.3); c.1378T>C (NM_199292.2); short protein forms S456P, S429P, S460P.
Identifiers: ClinVar variation 2050171 (VCV002050171.6), dbSNP rs753181549, ClinGen allele CA5818310.
Genomic context (GRCh38, chr11:2,165,281, plus strand): 5'-GCCTAGCCCACCTGAGCTTGTCCTTGGCGTCACTGAAGCTCTCAGACACGAAGTAGACTG[A>G]CTGGTACGTCTGGTCTTGGTAGGGCTGCACGGCCGCAGCCTCAGGGTCGAAGGCCCGAAT-3'
Protein context (NP_000351.2, residues 419-439): VQPYQDQTYQ[Ser429Pro]VYFVSESFSD